The following is an entry in ClinVar:

ClinVar aggregate classification (germline): Pathogenic/Likely pathogenic. Review status: criteria provided, multiple submitters, no conflicts (2 of 4 stars). 2 submissions from 2 submitters: Pathogenic (1); Likely pathogenic (1). Last evaluated 2023-03-04.

Conditions:
Spastic paraplegia. Identifiers: MedGen C0037772, HP:0001258.
Hereditary spastic paraplegia 5A (SPG5A). Also called: SPASTIC PARAPLEGIA 5A, AUTOSOMAL RECESSIVE. Identifiers: Orphanet 100986, MedGen C1849115, MONDO:0010047, OMIM 270800.

Submissions (3):

Labcorp Genetics (formerly Invitae), Labcorp
Classification: Likely pathogenic for Spastic paraplegia. Last evaluated: 2023-03-04. Review status: criteria provided, single submitter. Criteria: Invitae Variant Classification Sherloc (09022015). Collection method: clinical testing. Allele origin: germline.
Comment: This sequence change affects an acceptor splice site in intron 2 of the CYP7B1 gene. It is expected to disrupt RNA splicing. Variants that disrupt the donor or acceptor splice site typically lead to a loss of protein function (PMID: 16199547), and loss-of-function variants in CYP7B1 are known to be pathogenic (PMID: 9802883, 19363635, 19439420, 21541746, 21567895, 28039895). This variant is not present in population databases (gnomAD no frequency). This variant has not been reported in the literature in individuals affected with CYP7B1-related conditions. ClinVar contains an entry for this variant (Variation ID: 989025). Algorithms developed to predict the effect of sequence changes on RNA splicing suggest that this variant may disrupt the consensus splice site. In summary, the currently available evidence indicates that the variant is pathogenic, but additional data are needed to prove that conclusively. Therefore, this variant has been classified as Likely Pathogenic.

Paris Brain Institute, Inserm - ICM
Classification: Pathogenic for Hereditary spastic paraplegia 5A. Review status: criteria provided, single submitter. Criteria: ACMG Guidelines, 2015. Collection method: clinical testing. Allele origin: unknown. Affected: yes. Observed: 1 variant allele.

Dr. Peter K. Rogan Lab, Western University
No classification provided (evidence only). Condition: Lung cancer. Review status: no classification provided. Collection method: in vitro. Allele origin: not applicable. Functional consequence: skipped exon. Not counted in ClinVar's aggregate classification.

Literature cited by the submitters: PubMed 16199547 (cited by Labcorp Genetics (formerly Invitae), Labcorp); PubMed 9802883 (cited by Labcorp Genetics (formerly Invitae), Labcorp); PubMed 19363635 (cited by Labcorp Genetics (formerly Invitae), Labcorp); PubMed 19439420 (cited by Labcorp Genetics (formerly Invitae), Labcorp); PubMed 21541746 (cited by Labcorp Genetics (formerly Invitae), Labcorp); PubMed 21567895 (cited by Labcorp Genetics (formerly Invitae), Labcorp); PubMed 28039895 (cited by Labcorp Genetics (formerly Invitae), Labcorp).

NM_004820.5(CYP7B1):c.260-1G>A

Gene: CYP7B1 (cytochrome P450 family 7 subfamily B member 1; minus strand). Cytogenetic location: 8q12.3.
Variant type: single nucleotide variant.
Coding change: c.260-1G>A on transcript NM_004820.5 (MANE Select); the canonical splice acceptor site of the intron before coding-DNA position 260, G replaced by A.
Molecular consequence: splice acceptor variant.
Genome position (GRCh38, 1-based): chr8:64,616,282, C>T on the plus strand (G>A on the coding strand, the complement: CYP7B1 is on the minus strand). VCF-style: chr8-64616282-C-T. GRCh37 (hg19) VCF-style: chr8-65528839-C-T.
Other names: c.260-1G>A (NM_001324112.2).
Identifiers: ClinVar variation 989025 (VCV000989025.5), dbSNP rs1385678413, ClinGen allele CA371336590.
Genomic context (GRCh38, chr8:64,616,282, plus strand): 5'-TATGATTTTTTATCACTAGCTGGTACTGGAAGGGGTCCAGGATAAATGTTATGTACTTTC[C>T]TAGAAAAAAAAAAAGAGAGAGAAAATATGAGTTCGTTTGTTAATAAAACAGAAATAAACA-3'